The following is an entry in ClinVar:

NM_015557.3(CHD5):c.563T>C (p.Leu188Pro)

Gene: CHD5 (chromodomain helicase DNA binding protein 5; minus strand). Cytogenetic location: 1p36.31.
Variant type: single nucleotide variant.
Coding change: c.563T>C on transcript NM_015557.3 (MANE Select); coding-DNA position 563, T replaced by C.
Protein change: p.Leu188Pro; replaces leucine 188 with proline.
Molecular consequence: missense variant.
Genome position (GRCh38, 1-based): chr1:6,154,842, A>G on the plus strand (T>C on the coding strand, the complement: CHD5 is on the minus strand). VCF-style: chr1-6154842-A-G. GRCh37 (hg19) VCF-style: chr1-6214902-A-G.
Other names: short protein forms L188P.
Identifiers: ClinVar variation 4533310 (VCV004533310.1).
Genomic context (GRCh38, chr1:6,154,842, plus strand): 5'-GCTGCCGCGGAGCTGCCCTTGAAGGGGTTGTTGGCGCTGAACTCCCGCCACTTGGCACCC[A>G]GGACGGTCATCATTTTGGACATGGGGATCTTCGGGTTCTTCTTGGCAATGAGTGGCCTGT-3'
Protein context (NP_056372.1, residues 178-198): KIPMSKMMTV[Leu188Pro]GAKWREFSAN

ClinVar aggregate classification (germline): Uncertain significance (1 of 4 stars; one submission).

Conditions:
Parenti-mignot neurodevelopmental syndrome. Identifiers: MedGen C5676984, MONDO:0859249, OMIM 619873.

Submission:

Institute of Human Genetics, University of Leipzig Medical Center
Classification: Uncertain significance for Parenti-mignot neurodevelopmental syndrome. Last evaluated: 2025-11-25. Review status: criteria provided, single submitter. Criteria: ACMG Guidelines, 2015. Collection method: clinical testing. Allele origin: unknown. Inheritance: Autosomal dominant inheritance. Affected: yes.
Comment: Criteria applied: PM2,PP2,PP3